The following is an entry in ClinVar:

NM_014804.3(KIAA0753):c.2318C>T (p.Pro773Leu)

Gene: KIAA0753 (KIAA0753; minus strand). Cytogenetic location: 17p13.1.
Variant type: single nucleotide variant.
Coding change: c.2318C>T on transcript NM_014804.3 (MANE Select); coding-DNA position 2318, C replaced by T.
Protein change: p.Pro773Leu; replaces proline 773 with leucine.
Molecular consequence: missense variant. On other transcripts: non-coding transcript variant (3).
Genome position (GRCh38, 1-based): chr17:6,596,198, G>A on the plus strand (C>T on the coding strand, the complement: KIAA0753 is on the minus strand). VCF-style: chr17-6596198-G-A. GRCh37 (hg19) VCF-style: chr17-6499518-G-A.
Other names: c.1421C>T, p.Pro474Leu (NM_001351225.2); short protein forms P474L, P773L.
Identifiers: ClinVar variation 1355407 (VCV001355407.6), dbSNP rs755057472, ClinGen allele CA8330198.

ClinVar aggregate classification (germline): Uncertain significance (1 of 4 stars; one submission).

Allele frequency attached by ClinVar (database versions not stated): ExAC 0.00001.
gnomAD v4.1: 3 of 1,613,746 alleles (0.00019%); highest among the groups gnomAD compares: African/African-American, 0.0027%; no homozygotes.

Submission:

Labcorp Genetics (formerly Invitae), Labcorp
Classification: Uncertain significance. Last evaluated: 2025-02-03. Review status: criteria provided, single submitter. Criteria: Invitae Variant Classification Sherloc (09022015). Collection method: clinical testing. Allele origin: germline.
Comment: This sequence change replaces proline, which is neutral and non-polar, with leucine, which is neutral and non-polar, at codon 773 of the KIAA0753 protein (p.Pro773Leu). This variant is present in population databases (rs755057472, gnomAD 0.007%). This variant has not been reported in the literature in individuals affected with KIAA0753-related conditions. ClinVar contains an entry for this variant (Variation ID: 1355407). An algorithm developed to predict the effect of missense changes on protein structure and function outputs the following: PolyPhen-2: "Benign". The leucine amino acid residue is found in multiple mammalian species, which suggests that this missense change does not adversely affect protein function. In summary, the available evidence is currently insufficient to determine the role of this variant in disease. Therefore, it has been classified as a Variant of Uncertain Significance.